The following is an entry in ClinVar:

ClinVar aggregate classification (germline): Uncertain significance (1 of 4 stars; one submission).

Submission:

Labcorp Genetics (formerly Invitae), Labcorp
Classification: Uncertain significance. Last evaluated: 2022-07-14. Review status: criteria provided, single submitter. Criteria: Invitae Variant Classification Sherloc (09022015). Collection method: clinical testing. Allele origin: germline.
Comment: This sequence change replaces glycine, which is neutral and non-polar, with arginine, which is basic and polar, at codon 359 of the LHX3 protein (p.Gly359Arg). The frequency data for this variant in the population databases is considered unreliable, as metrics indicate poor data quality at this position in the gnomAD database. This variant has not been reported in the literature in individuals affected with LHX3-related conditions. Algorithms developed to predict the effect of missense changes on protein structure and function are either unavailable or do not agree on the potential impact of this missense change (SIFT: "Not Available"; PolyPhen-2: "Benign"; Align-GVGD: "Not Available"). In summary, the available evidence is currently insufficient to determine the role of this variant in disease. Therefore, it has been classified as a Variant of Uncertain Significance.

NM_178138.6(LHX3):c.1060G>A (p.Gly354Arg)

Gene: LHX3 (LIM homeobox 3; minus strand). Cytogenetic location: 9q34.3.
Variant type: single nucleotide variant.
Coding change: c.1060G>A on transcript NM_178138.6 (MANE Select); coding-DNA position 1060, G replaced by A.
Protein change: p.Gly354Arg; replaces glycine 354 with arginine.
Molecular consequence: missense variant.
Genome position (GRCh38, 1-based): chr9:136,197,459, C>T on the plus strand (G>A on the coding strand, the complement: LHX3 is on the minus strand). VCF-style: chr9-136197459-C-T. GRCh37 (hg19) VCF-style: chr9-139089305-C-T.
Other names: c.1027G>A, p.Gly343Arg (NM_001363746.1); c.1075G>A, p.Gly359Arg (NM_014564.5); short protein forms G359R, G343R, G354R.
Identifiers: ClinVar variation 2180983 (VCV002180983.1), dbSNP rs774517354, ClinGen allele CA201528618.